The following is an entry in ClinVar:

ClinVar aggregate classification (germline): Uncertain significance. Review status: criteria provided, multiple submitters, no conflicts (2 of 4 stars). 2 submissions from 2 submitters: Uncertain significance (2). Last evaluated 2024-05-01.

Conditions:
Hereditary cancer-predisposing syndrome. Also called: Tumor predisposition; Neoplastic Syndromes, Hereditary; Hereditary Cancer Syndrome; Hereditary neoplastic syndrome. Identifiers: Orphanet 140162, MedGen C0027672, MeSH D009386, MONDO:0015356.

Submissions (2):

Quest Diagnostics Nichols Institute San Juan Capistrano
Classification: Uncertain significance. Last evaluated: 2024-05-01. Review status: criteria provided, single submitter. Criteria: Quest Diagnostics criteria. Collection method: clinical testing. Allele origin: unknown.
Comment: The CDKN2A c.455C>T (p.Ser152Leu) variant has not been reported in individuals with CDKN2A-related conditions in the published literature. It also has not been reported in large, multi-ethnic general populations (Genome Aggregation Database). Analysis of this variant using bioinformatics tools for the prediction of the effect of amino acid changes on protein structure and function yielded conflicting predictions that this variant is deleterious or benign. Based on the available information, we are unable to determine the clinical significance of this variant.

Color Diagnostics, LLC DBA Color Health
Classification: Uncertain significance for Hereditary cancer-predisposing syndrome. Last evaluated: 2018-10-20. Review status: criteria provided, single submitter. Criteria: ACMG Guidelines, 2015. Collection method: clinical testing. Allele origin: germline.

NM_000077.5(CDKN2A):c.455C>T (p.Ser152Leu)

Gene: CDKN2A (cyclin dependent kinase inhibitor 2A; minus strand). Cytogenetic location: 9p21.3.
Variant type: single nucleotide variant.
Coding change: c.455C>T on transcript NM_000077.5; coding-DNA position 455, C replaced by T.
Protein change: p.Ser152Leu; replaces serine 152 with leucine.
Molecular consequence: missense variant (on NM_000077.6). On other transcripts: 3 prime UTR variant (2).
Genome position (GRCh38, 1-based): chr9:21,970,904, G>A on the plus strand (C>T on the coding strand, the complement: CDKN2A is on the minus strand). VCF-style: chr9-21970904-G-A. GRCh37 (hg19) VCF-style: chr9-21970903-G-A.
Other names: c.455C>T, p.Ser152Leu (NM_000077.6, NM_001195132.2); c.302C>T, p.Ser101Leu (NM_001363763.2); c.*99C>T (NM_058195.4); c.*378C>T (NM_058197.5); short protein forms S152L, S101L.
Identifiers: ClinVar variation 630384 (VCV000630384.3), dbSNP rs868443488, ClinGen allele CA190729577.